The following is an entry in ClinVar:

NM_001372.4(DNAH9):c.109C>T (p.Arg37Trp)

Gene: DNAH9 (dynein axonemal heavy chain 9; plus strand). Cytogenetic location: 17p12.
Variant type: single nucleotide variant.
Coding change: c.109C>T on transcript NM_001372.4 (MANE Select); coding-DNA position 109, C replaced by T.
Protein change: p.Arg37Trp; replaces arginine 37 with tryptophan.
Molecular consequence: missense variant.
Genome position (GRCh38, 1-based): chr17:11,598,607, C>T. VCF-style: chr17-11598607-C-T. GRCh37 (hg19) VCF-style: chr17-11501924-C-T.
Other names: c.109C>T (NM_001372.3); short protein forms R37W.
Identifiers: ClinVar variation 3005254 (VCV003005254.4), dbSNP rs1489823743, ClinGen allele CA398153482.
Genomic context (GRCh38, chr17:11,598,607, plus strand): 5'-GGGGAACCCGGCGCCGACCGACGACTGCGACTCCTGGGGACCTACGTGGCCATGAGCCTG[C>T]GGCCGGCTGCGGGCGCCTGGGAGCGTTGCGCGGGGAGTGCTGAGGCGGAGCAGCTGCTCC-3'
Protein context (NP_001363.2, residues 27-47): LLGTYVAMSL[Arg37Trp]PAAGAWERCA

ClinVar aggregate classification (germline): Uncertain significance. Review status: criteria provided, multiple submitters, no conflicts (2 of 4 stars). 2 submissions from 2 submitters: Uncertain significance (2). Last evaluated 2025-08-09.

Conditions:
Inborn genetic diseases. Identifiers: MedGen C0950123, MeSH D030342.

Submissions (2):

Ambry Genetics
Classification: Uncertain significance for Inborn genetic diseases. Last evaluated: 2025-08-09. Review status: criteria provided, single submitter. Criteria: Ambry Variant Classification Scheme 2023. Collection method: clinical testing. Allele origin: germline.

Labcorp Genetics (formerly Invitae), Labcorp
Classification: Uncertain significance. Last evaluated: 2023-02-18. Review status: criteria provided, single submitter. Criteria: Invitae Variant Classification Sherloc (09022015). Collection method: clinical testing. Allele origin: germline.
Comment: In summary, the available evidence is currently insufficient to determine the role of this variant in disease. Therefore, it has been classified as a Variant of Uncertain Significance. An algorithm developed to predict the effect of missense changes on protein structure and function (PolyPhen-2) suggests that this variant is likely to be disruptive. This variant has not been reported in the literature in individuals affected with DNAH9-related conditions. This variant is not present in population databases (gnomAD no frequency). This sequence change replaces arginine, which is basic and polar, with tryptophan, which is neutral and slightly polar, at codon 37 of the DNAH9 protein (p.Arg37Trp).